The following is an entry in ClinVar:

NM_001194998.2(CEP152):c.4914A>G (p.Pro1638=)

Gene: CEP152 (centrosomal protein 152; minus strand). Cytogenetic location: 15q21.1.
Variant type: single nucleotide variant.
Coding change: c.4914A>G on transcript NM_001194998.2 (MANE Select); coding-DNA position 4914, A replaced by G.
Protein change: p.Pro1638=; no amino-acid change (proline 1638 retained).
Molecular consequence: synonymous variant.
Genome position (GRCh38, 1-based): chr15:48,738,468, T>C on the plus strand (A>G on the coding strand, the complement: CEP152 is on the minus strand). VCF-style: chr15-48738468-T-C. GRCh37 (hg19) VCF-style: chr15-49030665-T-C.
Other names: c.4746A>G, p.Pro1582= (NM_014985.4).
Identifiers: ClinVar variation 158269 (VCV000158269.20), dbSNP rs150910683, ClinGen allele CA171737.

ClinVar aggregate classification (germline): Benign/Likely benign. Review status: criteria provided, multiple submitters, no conflicts (2 of 4 stars). 6 submissions from 5 submitters: Benign (4); Likely benign (2). Last evaluated 2026-01-28.

Conditions:
Seckel syndrome 5 (SCKL5). Identifiers: Orphanet 808, MedGen C3151187, MONDO:0013443, OMIM 613823.
Microcephaly 9, primary, autosomal recessive. Identifiers: Orphanet 2512, MedGen C3553886, MONDO:0013923, OMIM 614852.

Allele frequency attached by ClinVar (database versions not stated): gnomAD exomes 0.00039 and 0.00098; ExAC 0.00113; ESP Exome Variant Server 0.00396; gnomAD 0.00451 and 0.00477; 1000 Genomes Project 0.00479; TOPMed 0.00490; 1000 Genomes Project 30x 0.00562.
gnomAD v4.1: 1,277 of 1,614,240 alleles (0.079%); highest among the groups gnomAD compares: African/African-American, 1.5%; 5 homozygotes.

Submissions (6):

Labcorp Genetics (formerly Invitae), Labcorp
Classification: Benign. Last evaluated: 2026-01-28. Review status: criteria provided, single submitter. Criteria: Invitae Variant Classification Sherloc (09022015). Collection method: clinical testing. Allele origin: germline.

GeneDx
Classification: Benign. Last evaluated: 2018-11-06. Review status: criteria provided, single submitter. Criteria: GeneDx Variant Classification Process June 2021. Collection method: clinical testing. Allele origin: germline. Affected: yes.

Illumina Laboratory Services, Illumina
Classification: Benign for Seckel syndrome 5. Last evaluated: 2018-01-13. Review status: criteria provided, single submitter. Criteria: ICSL Variant Classification Criteria 13 December 2019. Collection method: clinical testing. Allele origin: germline.
Comment: This variant was observed in the ICSL laboratory as part of a predisposition screen in an ostensibly healthy population. It had not been previously curated by ICSL or reported in the Human Gene Mutation Database (HGMD: prior to June 1st, 2018), and was therefore a candidate for classification through an automated scoring system. Utilizing variant allele frequency, disease prevalence and penetrance estimates, and inheritance mode, an automated score was calculated to assess if this variant is too frequent to cause the disease. Based on the score and internal cut-off values, a variant classified as benign is not then subjected to further curation. The score for this variant resulted in a classification of benign for this disease.

Illumina Laboratory Services, Illumina
Classification: Likely benign for Microcephaly 9, primary, autosomal recessive. Last evaluated: 2018-01-13. Review status: criteria provided, single submitter. Criteria: ICSL Variant Classification Criteria 13 December 2019. Collection method: clinical testing. Allele origin: germline.
Comment: This variant was observed in the ICSL laboratory as part of a predisposition screen in an ostensibly healthy population. It had not been previously curated by ICSL or reported in the Human Gene Mutation Database (HGMD: prior to June 1st, 2018), and was therefore a candidate for classification through an automated scoring system. Utilizing variant allele frequency, disease prevalence and penetrance estimates, and inheritance mode, an automated score was calculated to assess if this variant is too frequent to cause the disease. Based on the score and internal cut-off values, a variant classified as likely benign is not then subjected to further curation. The score for this variant resulted in a classification of likely benign for this disease.

Genetic Services Laboratory, University of Chicago
Classification: Benign. Last evaluated: 2016-02-12. Review status: criteria provided, single submitter. Criteria: ACMG Guidelines, 2015. Collection method: clinical testing. Allele origin: germline. Affected: no.

Breakthrough Genomics
Classification: Likely benign. Review status: criteria provided, single submitter. Criteria: ACMG Guidelines, 2015. Collection method: not provided. Allele origin: germline. Inheritance: Autosomal recessive inheritance. Affected: yes.